The following is an entry in ClinVar:

NM_001082971.2(DDC):c.764T>A (p.Leu255Ter)

Gene: DDC (dopa decarboxylase; minus strand). Cytogenetic location: 7p12.1.
Variant type: single nucleotide variant.
Coding change: c.764T>A on transcript NM_001082971.2 (MANE Select); coding-DNA position 764, T replaced by A.
Protein change: p.Leu255Ter; replaces leucine 255 with a stop codon.
Molecular consequence: nonsense.
Genome position (GRCh38, 1-based): chr7:50,504,010, A>T on the plus strand (T>A on the coding strand, the complement: DDC is on the minus strand). VCF-style: chr7-50504010-A-T. GRCh37 (hg19) VCF-style: chr7-50571708-A-T.
Other names: c.764T>A, p.Leu255Ter (NM_000790.4, NM_001242890.2); c.650T>A, p.Leu217Ter (NM_001242886.2); c.620T>A, p.Leu207Ter (NM_001242887.2); c.530T>A, p.Leu177Ter (NM_001242888.2); c.485T>A, p.Leu162Ter (NM_001242889.2); short protein forms L177*, L217*, L255*, L162*, L207*.
Identifiers: ClinVar variation 2739474 (VCV002739474.3), dbSNP rs2535229295, ClinGen allele CA367538932.

ClinVar aggregate classification (germline): Pathogenic (1 of 4 stars; one submission).

Conditions:
Deficiency of aromatic-L-amino-acid decarboxylase. Also called: AADC DEFICIENCY; Aromatic amino acid decarboxylase deficiency; DDC DEFICIENCY; DOPA DECARBOXYLASE DEFICIENCY; Aromatic L-Amino Acid Decarboxylase Deficiency. Identifiers: Orphanet 35708, MedGen C1291564, MONDO:0012084, OMIM 608643.

Submission:

Labcorp Genetics (formerly Invitae), Labcorp
Classification: Pathogenic for Deficiency of aromatic-L-amino-acid decarboxylase. Last evaluated: 2024-12-02. Review status: criteria provided, single submitter. Criteria: Invitae Variant Classification Sherloc (09022015). Collection method: clinical testing. Allele origin: germline.
Comment: This sequence change creates a premature translational stop signal (p.Leu255*) in the DDC gene. It is expected to result in an absent or disrupted protein product. Loss-of-function variants in DDC are known to be pathogenic (PMID: 15079002, 24788355). This variant is not present in population databases (gnomAD no frequency). This variant has not been reported in the literature in individuals affected with DDC-related conditions. ClinVar contains an entry for this variant (Variation ID: 2739474). For these reasons, this variant has been classified as Pathogenic.

Literature cited by the submitters: PubMed 15079002; PubMed 24788355.